The following is an entry in ClinVar:

NM_015278.5(SASH1):c.401A>T (p.Lys134Ile)

Gene: SASH1 (SAM and SH3 domain containing 1; plus strand). Cytogenetic location: 6q24.3.
Variant type: single nucleotide variant.
Coding change: c.401A>T on transcript NM_015278.5 (MANE Select); coding-DNA position 401, A replaced by T.
Protein change: p.Lys134Ile; replaces lysine 134 with isoleucine.
Molecular consequence: missense variant.
Genome position (GRCh38, 1-based): chr6:148,468,559, A>T. VCF-style: chr6-148468559-A-T. GRCh37 (hg19) VCF-style: chr6-148789695-A-T.
Other names: c.266A>T, p.Lys89Ile (NM_001346505.2); c.29A>T, p.Lys10Ile (NM_001346506.2); short protein forms K10I, K134I, K89I.
Identifiers: ClinVar variation 1306772 (VCV001306772.3), dbSNP rs756474875, ClinGen allele CA4039956.

ClinVar aggregate classification (germline): Uncertain significance. Review status: criteria provided, multiple submitters, no conflicts (2 of 4 stars). 2 submissions from 2 submitters: Uncertain significance (2). Last evaluated 2025-12-15.

Conditions:
Inborn genetic diseases. Identifiers: MedGen C0950123, MeSH D030342.

Allele frequency attached by ClinVar (database versions not stated): ExAC 0.00001; gnomAD 0.00001; gnomAD exomes 0.00001; TOPMed 0.00001.
gnomAD v4.1: 6 of 1,609,944 alleles (0.00037%); highest among the groups gnomAD compares: Non-Finnish European, 0.00051%; no homozygotes.

Submissions (2):

Ambry Genetics
Classification: Uncertain significance for Inborn genetic diseases. Last evaluated: 2025-12-15. Review status: criteria provided, single submitter. Criteria: Ambry Variant Classification Scheme 2023. Collection method: clinical testing. Allele origin: germline.

GeneDx
Classification: Uncertain significance. Last evaluated: 2019-07-02. Review status: criteria provided, single submitter. Criteria: GeneDx Variant Classification Process June 2021. Collection method: clinical testing. Allele origin: germline. Affected: yes.
Comment: Has not been previously published as pathogenic or benign to our knowledge; Not observed in large population cohorts (Lek et al., 2016); In silico analysis, which includes protein predictors and evolutionary conservation, supports a deleterious effect